The following is an entry in ClinVar:

NM_001370466.1(NOD2):c.1013A>T (p.Gln338Leu)

Gene: NOD2 (nucleotide binding oligomerization domain containing 2; plus strand). Cytogenetic location: 16q12.1.
Variant type: single nucleotide variant.
Coding change: c.1013A>T on transcript NM_001370466.1 (MANE Select); coding-DNA position 1013, A replaced by T.
Protein change: p.Gln338Leu; replaces glutamine 338 with leucine.
Molecular consequence: missense variant. On other transcripts: non-coding transcript variant (1).
Genome position (GRCh38, 1-based): chr16:50,711,005, A>T. VCF-style: chr16-50711005-A-T. GRCh37 (hg19) VCF-style: chr16-50744916-A-T.
Other names: c.1013A>T, p.Gln338Leu (NM_001293557.2); c.1094A>T, p.Gln365Leu (NM_022162.3); short protein forms Q338L, Q365L.
Identifiers: ClinVar variation 5000110 (VCV005000110.1).

ClinVar aggregate classification (germline): Uncertain significance (1 of 4 stars; one submission).

Conditions:
NOD2-related disorder. Also called: NOD2-related condition.

gnomAD v4.1: 13 of 1,614,222 alleles (0.00081%); highest among the groups gnomAD compares: Non-Finnish European, 0.0011%; no homozygotes.

Submission:

PreventionGenetics, part of Exact Sciences
Classification: Uncertain significance for NOD2-related condition. Last evaluated: 2025-08-08. Review status: criteria provided, single submitter. Criteria: ACMG Guidelines, 2015. Collection method: clinical testing. Allele origin: germline.
Comment: The NOD2 c.1094A>T variant is predicted to result in the amino acid substitution p.Gln365Leu. To our knowledge, this variant has not been reported in the literature or in a large population database (gnomAD), indicating this variant is rare. At this time, the clinical significance of this variant is uncertain due to the absence of conclusive functional and genetic evidence.